The following is an entry in ClinVar:

ClinVar aggregate classification (germline): Uncertain significance. Review status: criteria provided, multiple submitters, no conflicts (2 of 4 stars). 2 submissions from 2 submitters: Uncertain significance (2). Last evaluated 2023-01-10.

Conditions:
Inborn genetic diseases. Identifiers: MedGen C0950123, MeSH D030342.

Allele frequency attached by ClinVar (database versions not stated): gnomAD exomes below 0.00001; TOPMed below 0.00001; gnomAD 0.00001.
gnomAD v4.1: 2 of 1,548,906 alleles (0.00013%); highest among the groups gnomAD compares: Non-Finnish European, 0.00017%; no homozygotes.

Submissions (2):

Ambry Genetics
Classification: Uncertain significance for Inborn genetic diseases. Last evaluated: 2023-01-10. Review status: criteria provided, single submitter. Criteria: Ambry Variant Classification Scheme 2023. Collection method: clinical testing. Allele origin: germline.
Comment: The c.881A>T (p.D294V) alteration is located in exon 3 (coding exon 3) of the SETD2 gene. This alteration results from a A to T substitution at nucleotide position 881, causing the aspartic acid (D) at amino acid position 294 to be replaced by a valine (V). The p.D294V alteration is predicted to be tolerated by in silico analysis. Based on insufficient or conflicting evidence, the clinical significance of this alteration remains unclear.

GeneDx
Classification: Uncertain significance. Last evaluated: 2022-03-16. Review status: criteria provided, single submitter. Criteria: GeneDx Variant Classification Process June 2021. Collection method: clinical testing. Allele origin: germline. Affected: yes.
Comment: Not observed in large population cohorts (gnomAD); In silico analysis supports that this missense variant has a deleterious effect on protein structure/function; Has not been previously published as pathogenic or benign to our knowledge

NM_014159.7(SETD2):c.881A>T (p.Asp294Val)

Gene: SETD2 (SET domain containing 2, histone lysine methyltransferase; minus strand). Cytogenetic location: 3p21.31.
Variant type: single nucleotide variant.
Coding change: c.881A>T on transcript NM_014159.7 (MANE Select); coding-DNA position 881, A replaced by T.
Protein change: p.Asp294Val; replaces aspartic acid 294 with valine.
Molecular consequence: missense variant. On other transcripts: non-coding transcript variant (1).
Genome position (GRCh38, 1-based): chr3:47,123,755, T>A on the plus strand (A>T on the coding strand, the complement: SETD2 is on the minus strand). VCF-style: chr3-47123755-T-A. GRCh37 (hg19) VCF-style: chr3-47165245-T-A.
Other names: c.749A>T, p.Asp250Val (NM_001349370.3); short protein forms D294V, D250V.
Identifiers: ClinVar variation 451756 (VCV000451756.8), dbSNP rs915409808, ClinGen allele CA73812010.
Genomic context (GRCh38, chr3:47,123,755, plus strand): 5'-GATTGTGAGGATTTCTTCTTAGAACCTGTTTTTTTACAGCTCAGACTAATCTTAGAACTA[T>A]CTGGAATTTCTTCATCCTTCCCAATATGGGAATCTTCTTTTTTTGAGGAAATATCTGCTT-3'
Protein context (NP_054878.5, residues 284-304): SHIGKDEEIP[Asp294Val]SSKISLSCKK